The following is an entry in ClinVar:

NM_003055.3(SLC18A3):c.334C>T (p.Arg112Trp)

Genes: CHAT (choline O-acetyltransferase; plus strand), SLC18A3 (solute carrier family 18 member A3; plus strand). Cytogenetic location: 10q11.23.
Variant type: single nucleotide variant.
Coding change: c.334C>T on transcript NM_003055.3 (MANE Select); coding-DNA position 334, C replaced by T.
Protein change: p.Arg112Trp; replaces arginine 112 with tryptophan.
Molecular consequence: missense variant. On other transcripts: intron variant (1).
Genome position (GRCh38, 1-based): chr10:49,611,074, C>T. VCF-style: chr10-49611074-C-T. GRCh37 (hg19) VCF-style: chr10-50819120-C-T.
Other names: c.-69+1875C>T (NM_020984.4); short protein forms R112W.
Identifiers: ClinVar variation 1308564 (VCV001308564.7), dbSNP rs1323111953, ClinGen allele CA376718223.

ClinVar aggregate classification (germline): Uncertain significance. Review status: criteria provided, multiple submitters, no conflicts (2 of 4 stars). 2 submissions from 2 submitters: Uncertain significance (2). Last evaluated 2023-04-06.

Allele frequency attached by ClinVar (database versions not stated): TOPMed 0.00001.

Submissions (2):

Labcorp Genetics (formerly Invitae), Labcorp
Classification: Uncertain significance. Last evaluated: 2023-04-06. Review status: criteria provided, single submitter. Criteria: Invitae Variant Classification Sherloc (09022015). Collection method: clinical testing. Allele origin: germline.
Comment: ClinVar contains an entry for this variant (Variation ID: 1308564). An algorithm developed to predict the effect of missense changes on protein structure and function (PolyPhen-2) suggests that this variant is likely to be tolerated. In summary, the available evidence is currently insufficient to determine the role of this variant in disease. Therefore, it has been classified as a Variant of Uncertain Significance. This variant has not been reported in the literature in individuals affected with SLC18A3-related conditions. This sequence change replaces arginine, which is basic and polar, with tryptophan, which is neutral and slightly polar, at codon 112 of the SLC18A3 protein (p.Arg112Trp). This variant is not present in population databases (gnomAD no frequency).

GeneDx
Classification: Uncertain significance. Last evaluated: 2019-04-01. Review status: criteria provided, single submitter. Criteria: GeneDx Variant Classification Process June 2021. Collection method: clinical testing. Allele origin: germline. Affected: yes.
Comment: Has not been previously published as pathogenic or benign to our knowledge; Not observed in large population cohorts (Lek et al., 2016); In silico analysis, which includes protein predictors and evolutionary conservation, supports that this variant does not alter protein structure/function